The following is an entry in ClinVar:

ClinVar aggregate classification (germline): Uncertain significance. Review status: criteria provided, multiple submitters, no conflicts (2 of 4 stars). 3 submissions from 3 submitters: Uncertain significance (3). Last evaluated 2025-09-11.

Conditions:
Inborn genetic diseases. Identifiers: MedGen C0950123, MeSH D030342.

Allele frequency attached by ClinVar (database versions not stated): ExAC 0.00002; TOPMed 0.00004; gnomAD 0.00005; ESP Exome Variant Server 0.00008.
gnomAD v4.1: 160 of 1,614,094 alleles (0.0099%); highest among the groups gnomAD compares: Non-Finnish European, 0.012%; 1 homozygote.

Submissions (3):

Labcorp Genetics (formerly Invitae), Labcorp
Classification: Uncertain significance. Last evaluated: 2025-09-11. Review status: criteria provided, single submitter. Criteria: Invitae Variant Classification Sherloc (09022015). Collection method: clinical testing. Allele origin: germline.
Comment: This sequence change replaces alanine, which is neutral and non-polar, with threonine, which is neutral and polar, at codon 639 of the EIF2B5 protein (p.Ala639Thr). This variant is present in population databases (rs140884581, gnomAD 0.006%). This variant has not been reported in the literature in individuals affected with EIF2B5-related conditions. ClinVar contains an entry for this variant (Variation ID: 595656). Invitae Evidence Modeling of protein sequence and biophysical properties (such as structural, functional, and spatial information, amino acid conservation, physicochemical variation, residue mobility, and thermodynamic stability) indicates that this missense variant is not expected to disrupt EIF2B5 protein function with a negative predictive value of 80%. In summary, the available evidence is currently insufficient to determine the role of this variant in disease. Therefore, it has been classified as a Variant of Uncertain Significance.

Ambry Genetics
Classification: Uncertain significance for Inborn genetic diseases. Last evaluated: 2024-11-27. Review status: criteria provided, single submitter. Criteria: Ambry Variant Classification Scheme 2023. Collection method: clinical testing. Allele origin: germline.

Eurofins Ntd Llc (ga)
Classification: Uncertain significance. Last evaluated: 2018-01-04. Review status: criteria provided, single submitter. Criteria: EGL Classification Definitions 2015. Collection method: clinical testing. Allele origin: germline. Observed: 1 variant allele, 1 heterozygote.

NM_003907.3(EIF2B5):c.1915G>A (p.Ala639Thr)

Gene: EIF2B5 (eukaryotic translation initiation factor 2B subunit epsilon; plus strand). Cytogenetic location: 3q27.1.
Variant type: single nucleotide variant.
Coding change: c.1915G>A on transcript NM_003907.3 (MANE Select); coding-DNA position 1915, G replaced by A.
Protein change: p.Ala639Thr; replaces alanine 639 with threonine.
Molecular consequence: missense variant.
Genome position (GRCh38, 1-based): chr3:184,144,144, G>A. VCF-style: chr3-184144144-G-A. GRCh37 (hg19) VCF-style: chr3-183861932-G-A.
Other names: c.1915G>A (NM_003907.2); short protein forms A639T.
Identifiers: ClinVar variation 595656 (VCV000595656.8), dbSNP rs140884581, ClinGen allele CA2726846.